The following is an entry in ClinVar:

ClinVar aggregate classification (germline): Likely benign (0 of 4 stars; one submission).

Conditions:
SPAG17-related disorder. Also called: SPAG17-related condition.

Allele frequency attached by ClinVar (database versions not stated): gnomAD 0.00298; TOPMed 0.00312; ESP Exome Variant Server 0.00315; gnomAD exomes 0.00332; 1000 Genomes Project 0.00359; 1000 Genomes Project 30x 0.00375; ExAC 0.00434.
gnomAD v4.1: 5,328 of 1,612,268 alleles (0.33%); highest among the groups gnomAD compares: South Asian, 1.5%; 33 homozygotes.

Submission:

PreventionGenetics, part of Exact Sciences
Classification: Likely benign for SPAG17-related condition. Last evaluated: 2019-04-01. Review status: no assertion criteria provided. Collection method: clinical testing. Allele origin: germline.
Comment: This variant is classified as likely benign based on ACMG/AMP sequence variant interpretation guidelines (Richards et al. 2015 PMID: 25741868, with internal and published modifications).

NM_206996.4(SPAG17):c.6653G>A (p.Arg2218His)

Genes: SPAG17 (sperm associated antigen 17; minus strand), WDR3 (WD repeat domain 3; plus strand). Cytogenetic location: 1p12.
Variant type: single nucleotide variant.
Coding change: c.6653G>A on transcript NM_206996.4 (MANE Select); coding-DNA position 6653, G replaced by A.
Protein change: p.Arg2218His; replaces arginine 2218 with histidine.
Molecular consequence: missense variant. On other transcripts: 3 prime UTR variant (1).
Genome position (GRCh38, 1-based): chr1:117,963,818, C>T on the plus strand (G>A on the coding strand, the complement: SPAG17 is on the minus strand). VCF-style: chr1-117963818-C-T. GRCh37 (hg19) VCF-style: chr1-118506441-C-T.
Other names: c.*4371C>T (NM_006784.3); short protein forms R2218H.
Identifiers: ClinVar variation 3038251 (VCV003038251.2), dbSNP rs112012491, ClinGen allele CA1032730.